The following is an entry in ClinVar:

ClinVar aggregate classification (germline): Conflicting classifications of pathogenicity. Review status: criteria provided, conflicting classifications (1 of 4 stars). 3 submissions from 3 submitters: Pathogenic (1); Uncertain significance (2). Last evaluated 2025-12-30.

Conditions:
Hereditary cancer-predisposing syndrome. Also called: Tumor predisposition; Hereditary Cancer Syndrome; Neoplastic Syndromes, Hereditary; Hereditary neoplastic syndrome. Identifiers: Orphanet 140162, MedGen C0027672, MeSH D009386, MONDO:0015356.

Submissions (3):

Ambry Genetics
Classification: Uncertain significance for Hereditary cancer-predisposing syndrome. Last evaluated: 2025-12-30. Review status: criteria provided, single submitter. Criteria: Ambry Variant Classification Scheme 2023. Collection method: clinical testing. Allele origin: germline.
Comment: The p.E903* variant (also known as c.2707G>T), located in coding exon 24 of the POLE gene, results from a G to T substitution at nucleotide position 2707. This changes the amino acid from a glutamic acid to a stop codon within coding exon 24. This alteration is expected to result in loss of function by premature protein truncation or nonsense-mediated mRNA decay. Although biallelic loss of function of POLE has been associated with autosomal recessive POLE deficiency, haploinsufficiency of POLE has not been established as a mechanism of disease for POLE-related polymerase proofreading-associated polyposis (PPAP) and POLE-related CMMRD-like syndrome. Based on the supporting evidence, this variant is expected to be causative of POLE deficiency when present along with a second pathogenic variant on the other allele; however, its clinical significance for PPAP and POLE-related CMMRD-like syndrome is unclear.

Labcorp Genetics (formerly Invitae), Labcorp
Classification: Pathogenic. Last evaluated: 2024-12-16. Review status: criteria provided, single submitter. Criteria: Invitae Variant Classification Sherloc (09022015). Collection method: clinical testing. Allele origin: germline.
Comment: This sequence change creates a premature translational stop signal (p.Glu903*) in the POLE gene. It is expected to result in an absent or disrupted protein product. Loss-of-function variants in POLE are known to be pathogenic (PMID: 23230001, 25948378, 30503519). This variant is not present in population databases (gnomAD no frequency). This variant has not been reported in the literature in individuals affected with POLE-related conditions. ClinVar contains an entry for this variant (Variation ID: 545998). For these reasons, this variant has been classified as Pathogenic.

GeneDx
Classification: Uncertain significance. Last evaluated: 2017-07-26. Review status: criteria provided, single submitter. Criteria: GeneDx Variant Classification (06012015). Collection method: clinical testing. Allele origin: germline. Affected: yes.
Comment: This variant is denoted POLE c.2707G>T at the cDNA level and p.Glu903Ter (E903X) at the protein level. The substitution creates a nonsense variant, which changes a Glutamic Acid to a premature stop codon (GAA>TAA) and is predicted to cause loss of normal protein function through either protein truncation or nonsense-mediated mRNA decay. This variant has not, to our knowledge, been published in the literature. While missense variants located within the exonuclease domain of the POLE gene have been recognized as an underlying cause of Polymerase Proofreading-Associated Polyposis (PPAP), an autosomal dominant condition associated with polyposis and an increased risk for colon cancer (Palles 2013, Spier 2015), there are no data to support that loss-of-function variants, such as this one, confer the same cancer risks. Based on current evidence, we consider this variant to be of uncertain significance with respect to cancer. A recessive disease associated with POLE has been reported in the literature. In one large consanguineous family, 14 affected relatives with a syndrome called FILS (facial dysmorphism, immunodeficiency, livedo, and short stature) were all found to be homozygous for POLE c.4444+3A>G, a splice variant which results in a small proportion (~10%) of normal POLE transcript (Pachlopnik Schmid 2012). In addition, an unrelated individual with a suspected chromosome instability syndrome was also found to be homozygous for POLE c.4444+3A>G (Thiffault 2015). We cannot assess whether the variant identified in the current patient would cause the same recessive disease. Individuals and family members of reproductive age my choose to consider assessment of potential reproductive risks.

Literature cited by the submitters: PubMed 23230001 (cited by Labcorp Genetics (formerly Invitae), Labcorp); PubMed 25948378 (cited by Labcorp Genetics (formerly Invitae), Labcorp); PubMed 30503519 (cited by Labcorp Genetics (formerly Invitae), Labcorp).

NM_006231.4(POLE):c.2707G>T (p.Glu903Ter)

Gene: POLE (DNA polymerase epsilon, catalytic subunit; minus strand). Cytogenetic location: 12q24.33.
Variant type: single nucleotide variant.
Coding change: c.2707G>T on transcript NM_006231.4 (MANE Select); coding-DNA position 2707, G replaced by T.
Protein change: p.Glu903Ter; replaces glutamic acid 903 with a stop codon.
Molecular consequence: nonsense.
Genome position (GRCh38, 1-based): chr12:132,661,684, C>A on the plus strand (G>T on the coding strand, the complement: POLE is on the minus strand). VCF-style: chr12-132661684-C-A. GRCh37 (hg19) VCF-style: chr12-133238270-C-A.
Other names: short protein forms E903*.
Identifiers: ClinVar variation 545998 (VCV000545998.12), dbSNP rs1555226066, ClinGen allele CA387394075.